The following is an entry in ClinVar:

ClinVar aggregate classification (germline): Pathogenic. Review status: criteria provided, multiple submitters, no conflicts (2 of 4 stars). 4 submissions from 4 submitters: Pathogenic (4). Last evaluated 2024-03-25.

Conditions:
Autosomal recessive osteopetrosis 1. Also called: TCIRG1-Related Autosomal Recessive Osteopetrosis; ALBERS-SCHONBERG DISEASE, AUTOSOMAL RECESSIVE; TCIRG1-Related Osteopetrosis. Identifiers: Orphanet 667, MedGen C1850127, MONDO:0009815, OMIM 259700.

Allele frequency attached by ClinVar (database versions not stated): gnomAD exomes below 0.00001.

Submissions (4):

Baylor Genetics
Classification: Pathogenic for Autosomal recessive osteopetrosis 1. Last evaluated: 2024-03-25. Review status: criteria provided, single submitter. Criteria: ACMG Guidelines, 2015. Collection method: clinical testing. Allele origin: unknown.

Labcorp Genetics (formerly Invitae), Labcorp
Classification: Pathogenic. Last evaluated: 2023-06-11. Review status: criteria provided, single submitter. Criteria: Invitae Variant Classification Sherloc (09022015). Collection method: clinical testing. Allele origin: germline.
Comment: For these reasons, this variant has been classified as Pathogenic. ClinVar contains an entry for this variant (Variation ID: 1460225). This premature translational stop signal has been observed in individual(s) with malignant infantile osteopetrosis (PMID: 11532986). This variant is present in population databases (no rsID available, gnomAD 0.003%). This sequence change creates a premature translational stop signal (p.Gln230*) in the TCIRG1 gene. It is expected to result in an absent or disrupted protein product. Loss-of-function variants in TCIRG1 are known to be pathogenic (PMID: 10888887, 10942435, 11532986, 19448635).

Molecular Lab, Department of Haematology, Christian Medical College
Classification: Pathogenic for Autosomal recessive osteopetrosis 1. Last evaluated: 2022-05-20. Review status: criteria provided, single submitter. Criteria: ACMG Guidelines, 2015. Collection method: clinical testing. Allele origin: germline. Affected: yes. Observed: 1 variant allele.

Kasturba Medical College, Manipal, Kasturba Medical College, Manipal, Manipal Academy of Higher Education, Manipal, India
Classification: Pathogenic for Autosomal recessive osteopetrosis 1. Last evaluated: 2022-03-06. Review status: criteria provided, single submitter. Criteria: ACMG Guidelines, 2015. Collection method: clinical testing. Allele origin: germline. Affected: yes.

Literature cited by the submitters: PubMed 11532986 (cited by Labcorp Genetics (formerly Invitae), Labcorp); PubMed 10888887 (cited by Labcorp Genetics (formerly Invitae), Labcorp); PubMed 10942435 (cited by Labcorp Genetics (formerly Invitae), Labcorp); PubMed 19448635 (cited by Labcorp Genetics (formerly Invitae), Labcorp).

NM_006019.4(TCIRG1):c.688C>T (p.Gln230Ter)

Gene: TCIRG1 (T cell immune regulator 1, ATPase H+ transporting V0 subunit a3; plus strand). Cytogenetic location: 11q13.2.
Variant type: single nucleotide variant.
Coding change: c.688C>T on transcript NM_006019.4 (MANE Select); coding-DNA position 688, C replaced by T.
Protein change: p.Gln230Ter; replaces glutamine 230 with a stop codon.
Molecular consequence: nonsense. On other transcripts: 5 prime UTR variant (1).
Genome position (GRCh38, 1-based): chr11:68,043,628, C>T. VCF-style: chr11-68043628-C-T. GRCh37 (hg19) VCF-style: chr11-67811095-C-T.
Other names: c.-223C>T (NM_001351059.2); c.40C>T, p.Gln14Ter (NM_006053.4); short protein forms Q230*, Q14*.
Identifiers: ClinVar variation 1460225 (VCV001460225.10), dbSNP rs1156299579, ClinGen allele CA381578678.